The following is an entry in ClinVar:

ClinVar aggregate classification (germline): Uncertain significance (1 of 4 stars; one submission).

Conditions:
Inborn genetic diseases. Identifiers: MedGen C0950123, MeSH D030342.

gnomAD v4.1: 1 of 1,612,360 alleles (0.000062%); highest among the groups gnomAD compares: Non-Finnish European, 0.000085%; no homozygotes.

Submission:

Ambry Genetics
Classification: Uncertain significance for Inborn genetic diseases. Last evaluated: 2020-10-05. Review status: criteria provided, single submitter. Criteria: Ambry Variant Classification Scheme 2023. Collection method: clinical testing. Allele origin: germline.
Comment: The c.553G>T (p.D185Y) alteration is located in coding exon 5 of the INPP5K gene. This alteration results from a G to T substitution at nucleotide position 553, causing the aspartic acid (D) at amino acid position 185 to be replaced by a tyrosine (Y). Based on data from the Genome Aggregation Database (gnomAD), the INPP5K c.553G>T alteration was not observed, with coverage at this position. The p.D185 amino acid is conserved in available vertebrate species. The p.D185Y alteration is predicted to be deleterious by in silico analysis. Based on insufficient or conflicting evidence, the clinical significance of this alteration remains unclear.

NM_016532.4(INPP5K):c.553G>T (p.Asp185Tyr)

Gene: INPP5K (inositol polyphosphate-5-phosphatase K; minus strand). Cytogenetic location: 17p13.3.
Variant type: single nucleotide variant.
Coding change: c.553G>T on transcript NM_016532.4 (MANE Select); coding-DNA position 553, G replaced by T.
Protein change: p.Asp185Tyr; replaces aspartic acid 185 with tyrosine.
Molecular consequence: missense variant.
Genome position (GRCh38, 1-based): chr17:1,509,179, C>A on the plus strand (G>T on the coding strand, the complement: INPP5K is on the minus strand). VCF-style: chr17-1509179-C-A. GRCh37 (hg19) VCF-style: chr17-1412473-C-A.
Other names: c.325G>T, p.Asp109Tyr (NM_001135642.2, NM_130766.3); short protein forms D109Y, D185Y.
Identifiers: ClinVar variation 2227819 (VCV002227819.2), dbSNP rs778607009, ClinGen allele CA397544954.
Genomic context (GRCh38, chr17:1,509,179, plus strand): 5'-GTTAGTGGGGGTTAGCGTGGGGCAGAGGGCGGGGAACGGTCTGCCAGACCCAGGCTCACT[C>A]GTGGTCCAGGATGTTTGGGATGTCTCGCCCCTCACAATTCTGCATCTCCAGGATCCGGTC-3'
Protein context (NP_057616.2, residues 175-195): GRDIPNILDH[Asp185Tyr]LIIWFGDMNF